The following is an entry in ClinVar:

NM_014874.4(MFN2):c.*777T>C

Gene: MFN2 (mitofusin 2; plus strand). Cytogenetic location: 1p36.22.
Variant type: single nucleotide variant.
Coding change: c.*777T>C on transcript NM_014874.4 (MANE Select); 777 bases downstream of the stop codon, T replaced by C.
Molecular consequence: 3 prime UTR variant.
Genome position (GRCh38, 1-based): chr1:12,012,342, T>C. VCF-style: chr1-12012342-T-C. GRCh37 (hg19) VCF-style: chr1-12072399-T-C.
Other names: c.*777T>C (NM_001127660.2).
Identifiers: ClinVar variation 292390 (VCV000292390.5), dbSNP rs112854268, ClinGen allele CA10607571.

ClinVar aggregate classification (germline): Benign. Review status: criteria provided, single submitter (1 of 4 stars). 2 submissions from 1 submitter: Benign (2). Last evaluated 2018-01-13.

Conditions:
Hereditary motor and sensory neuropathy with optic atrophy. Also called: PERIPHERAL NEUROPATHY AND OPTIC ATROPHY; CHARCOT-MARIE-TOOTH DISEASE, TYPE 6. Identifiers: Orphanet 90120, MedGen C0393807, MONDO:0019551.
Charcot-Marie-Tooth disease type 2. Also called: Charcot-Marie-Tooth type 2. Identifiers: Orphanet 64746, MedGen C0270914, MONDO:0018993.

Allele frequency attached by ClinVar (database versions not stated): TOPMed 0.01776; 1000 Genomes Project 0.01837; gnomAD 0.01535 and 0.01628; 1000 Genomes Project 30x 0.01952.

Submissions (2):

Illumina Laboratory Services, Illumina
Classification: Benign for Charcot-Marie-Tooth disease, type 2. Last evaluated: 2018-01-13. Review status: criteria provided, single submitter. Criteria: ICSL Variant Classification Criteria 13 December 2019. Collection method: clinical testing. Allele origin: germline.
Comment: This variant was observed in the ICSL laboratory as part of a predisposition screen in an ostensibly healthy population. It had not been previously curated by ICSL or reported in the Human Gene Mutation Database (HGMD: prior to June 1st, 2018), and was therefore a candidate for classification through an automated scoring system. Utilizing variant allele frequency, disease prevalence and penetrance estimates, and inheritance mode, an automated score was calculated to assess if this variant is too frequent to cause the disease. Based on the score and internal cut-off values, a variant classified as benign is not then subjected to further curation. The score for this variant resulted in a classification of benign for this disease.

Illumina Laboratory Services, Illumina
Classification: Benign for Neuropathy, hereditary motor and sensory, type 6A. Last evaluated: 2018-01-13. Review status: criteria provided, single submitter. Criteria: ICSL Variant Classification Criteria 13 December 2019. Collection method: clinical testing. Allele origin: germline.
Comment: the same text as in the submission from Illumina Laboratory Services, Illumina above.